The following is an entry in ClinVar:

ClinVar aggregate classification (germline): Uncertain significance. Review status: criteria provided, multiple submitters, no conflicts (2 of 4 stars). 2 submissions from 2 submitters: Uncertain significance (2). Last evaluated 2024-11-07.

Conditions:
Inborn genetic diseases. Identifiers: MedGen C0950123, MeSH D030342.

Allele frequency attached by ClinVar (database versions not stated): gnomAD 0.00001; ExAC 0.00002; TOPMed 0.00002.

Submissions (2):

Labcorp Genetics (formerly Invitae), Labcorp
Classification: Uncertain significance. Last evaluated: 2024-11-07. Review status: criteria provided, single submitter. Criteria: Invitae Variant Classification Sherloc (09022015). Collection method: clinical testing. Allele origin: germline.
Comment: This sequence change replaces proline, which is neutral and non-polar, with leucine, which is neutral and non-polar, at codon 250 of the TCF3 protein (p.Pro250Leu). The frequency data for this variant in the population databases is considered unreliable, as metrics indicate poor data quality at this position in the gnomAD database. This variant has not been reported in the literature in individuals affected with TCF3-related conditions. ClinVar contains an entry for this variant (Variation ID: 2996704). An algorithm developed to predict the effect of missense changes on protein structure and function (PolyPhen-2) suggests that this variant is likely to be tolerated. In summary, the available evidence is currently insufficient to determine the role of this variant in disease. Therefore, it has been classified as a Variant of Uncertain Significance.

Ambry Genetics
Classification: Uncertain significance for Inborn genetic diseases. Last evaluated: 2023-12-16. Review status: criteria provided, single submitter. Criteria: Ambry Variant Classification Scheme 2023. Collection method: clinical testing. Allele origin: germline.

NM_003200.5(TCF3):c.749C>T (p.Pro250Leu)

Gene: TCF3 (transcription factor 3; minus strand). Cytogenetic location: 19p13.3.
Variant type: single nucleotide variant.
Coding change: c.749C>T on transcript NM_003200.5 (MANE Select); coding-DNA position 749, C replaced by T.
Protein change: p.Pro250Leu; replaces proline 250 with leucine.
Molecular consequence: missense variant.
Genome position (GRCh38, 1-based): chr19:1,622,127, G>A on the plus strand (C>T on the coding strand, the complement: TCF3 is on the minus strand). VCF-style: chr19-1622127-G-A. GRCh37 (hg19) VCF-style: chr19-1622126-G-A.
Other names: c.749C>T, p.Pro250Leu (NM_001136139.4, NM_001351778.2, NM_001351779.2); c.749C>T (NM_003200.3); short protein forms P250L.
Identifiers: ClinVar variation 2996704 (VCV002996704.4), dbSNP rs750088870, ClinGen allele CA9050245.